The following is an entry in ClinVar:

NM_001015877.2(PHF6):c.1030_1031del (p.Glu343_Ser344insTer)

Gene: PHF6 (PHD finger protein 6; plus strand). Cytogenetic location: Xq26.2.
Variant type: Microsatellite.
Coding change: c.1030_1031del on transcript NM_001015877.2 (MANE Select); coding-DNA positions 1030 to 1031, 2 bases deleted (AG; older notation c.1030_1031delAG).
Protein change: p.Glu343_Ser344insTer.
Molecular consequence: nonsense.
Genome position (GRCh38, 1-based): chrX:134,425,262-134,425,263, AG deleted; deleting any 2 consecutive bases within chrX:134,425,257-134,425,263 gives the same sequence; the c. name uses the placement nearest the transcript's 3' end. VCF-style (leftmost placement, unchanged base first): chrX-134425256-CGA-C. GRCh37 (hg19) VCF-style: chrX-133559286-CGA-C.
Other names: c.1030_1031del, p.Glu343_Ser344insTer (NM_032458.3).
Identifiers: ClinVar variation 3769607 (VCV003769607.1).

ClinVar aggregate classification (germline): Uncertain significance (1 of 4 stars; one submission).

Conditions:
Neurodevelopmental abnormality. Identifiers: MedGen C4022737, HP:0012759.

Submission:

Clinical Genetics Laboratory, Skane University Hospital Lund
Classification: Uncertain significance for Neurodevelopmental abnormality. Last evaluated: 2024-10-23. Review status: criteria provided, single submitter. Criteria: ACMG Guidelines, 2015. Collection method: clinical testing. Allele origin: maternal. Affected: yes.
Comment: ACMG criteria used: PVS1_Moderate (predicted to escape NMD), PM2